The following is an entry in ClinVar:

ClinVar aggregate classification (germline): Pathogenic. Review status: criteria provided, multiple submitters, no conflicts (2 of 4 stars). 2 submissions from 2 submitters: Pathogenic (2). Last evaluated 2024-03-10.

Submissions (2):

GeneDx
Classification: Pathogenic. Last evaluated: 2024-03-10. Review status: criteria provided, single submitter. Criteria: GeneDx Variant Classification Process June 2021. Collection method: clinical testing. Allele origin: germline. Affected: yes.
Comment: Frameshift variant predicted to result in protein truncation or nonsense mediated decay in a gene for which loss of function is a known mechanism of disease; Not observed at significant frequency in large population cohorts (gnomAD); Has not been previously published as pathogenic or benign to our knowledge

Labcorp Genetics (formerly Invitae), Labcorp
Classification: Pathogenic. Last evaluated: 2023-12-11. Review status: criteria provided, single submitter. Criteria: Invitae Variant Classification Sherloc (09022015). Collection method: clinical testing. Allele origin: germline.
Comment: This sequence change creates a premature translational stop signal (p.Lys1593Serfs*2) in the OTOGL gene. It is expected to result in an absent or disrupted protein product. Loss-of-function variants in OTOGL are known to be pathogenic (PMID: 23122586). This variant is not present in population databases (gnomAD no frequency). This variant has not been reported in the literature in individuals affected with OTOGL-related conditions. For these reasons, this variant has been classified as Pathogenic.

Literature cited by the submitters: PubMed 23122586 (cited by Labcorp Genetics (formerly Invitae), Labcorp).

NM_001378609.3(OTOGL):c.4805del (p.Lys1602fs)

Gene: OTOGL (otogelin like; plus strand). Cytogenetic location: 12q21.31.
Variant type: Deletion.
Coding change: c.4805del on transcript NM_001378609.3 (MANE Select); coding-DNA position 4805, one base deleted (A; older notation c.4805delA).
Protein change: p.Lys1602fs; shifts the reading frame from lysine 1602.
Molecular consequence: frameshift variant.
Genome position (GRCh38, 1-based): chr12:80,336,949, A deleted; the last of 2 consecutive A bases (chr12:80,336,948-80,336,949); deleting either gives the same sequence. VCF-style (leftmost placement, unchanged base first): chr12-80336947-GA-G. GRCh37 (hg19) VCF-style: chr12-80730727-GA-G.
Other names: c.4778del (NM_173591.3); c.4670del, p.Lys1557fs (NM_001368062.3); c.4805del, p.Lys1602fs (NM_001378610.3, NM_173591.7); short protein forms K1602fs, K1557fs.
Identifiers: ClinVar variation 2697188 (VCV002697188.4), dbSNP rs2541309342, ClinGen allele CA2697551505.